The following is an entry in ClinVar:

NM_005235.3(ERBB4):c.3400G>A (p.Val1134Met)

Gene: ERBB4 (erb-b2 receptor tyrosine kinase 4; minus strand). Cytogenetic location: 2q34.
Variant type: single nucleotide variant.
Coding change: c.3400G>A on transcript NM_005235.3 (MANE Select); coding-DNA position 3400, G replaced by A.
Protein change: p.Val1134Met; replaces valine 1134 with methionine.
Molecular consequence: missense variant.
Genome position (GRCh38, 1-based): chr2:211,386,934, C>T on the plus strand (G>A on the coding strand, the complement: ERBB4 is on the minus strand). VCF-style: chr2-211386934-C-T. GRCh37 (hg19) VCF-style: chr2-212251659-C-T.
Other names: c.3352G>A, p.Val1118Met (NM_001042599.2); short protein forms V1118M, V1134M.
Identifiers: ClinVar variation 2162672 (VCV002162672.4), dbSNP rs139785964, ClinGen allele CA2087452.

ClinVar aggregate classification (germline): Uncertain significance (1 of 4 stars; one submission).

Allele frequency attached by ClinVar (database versions not stated): ExAC 0.00010; 1000 Genomes Project 30x 0.00031; 1000 Genomes Project 0.00040.
gnomAD v4.1: 131 of 1,614,128 alleles (0.0081%); highest among the groups gnomAD compares: South Asian, 0.019%; no homozygotes.

Submission:

Labcorp Genetics (formerly Invitae), Labcorp
Classification: Uncertain significance. Last evaluated: 2025-10-17. Review status: criteria provided, single submitter. Criteria: Invitae Variant Classification Sherloc (09022015). Collection method: clinical testing. Allele origin: germline.
Comment: This sequence change replaces valine, which is neutral and non-polar, with methionine, which is neutral and non-polar, at codon 1134 of the ERBB4 protein (p.Val1134Met). This variant is present in population databases (rs139785964, gnomAD 0.02%). This missense change has been observed in individual(s) with amyotrophic lateral sclerosis (PMID: 32166880). ClinVar contains an entry for this variant (Variation ID: 2162672). An algorithm developed to predict the effect of missense changes on protein structure and function (PolyPhen-2) suggests that this variant is likely to be disruptive. In summary, the available evidence is currently insufficient to determine the role of this variant in disease. Therefore, it has been classified as a Variant of Uncertain Significance.

Literature cited by the submitters: PubMed 32166880.